The following is an entry in ClinVar:

ClinVar aggregate classification (germline): Benign/Likely benign. Review status: criteria provided, multiple submitters, no conflicts (2 of 4 stars). 3 submissions from 3 submitters: Benign (1); Likely benign (2). Last evaluated 2026-01-19.

Conditions:
Hereditary cancer-predisposing syndrome. Also called: Hereditary neoplastic syndrome; Neoplastic Syndromes, Hereditary; Tumor predisposition; Hereditary Cancer Syndrome. Identifiers: Orphanet 140162, MedGen C0027672, MeSH D009386, MONDO:0015356.
Multiple endocrine neoplasia, type 1 (MEN1). Also called: MEA I; MEN I; WERMER SYNDROME; Endocrine adenomatosis multiple; MEN 1. Identifiers: Orphanet 652, MedGen C0025267, MeSH D018761, MONDO:0007540, OMIM 131100.

Allele frequency attached by ClinVar (database versions not stated): TOPMed 0.00002.

Submissions (3):

Labcorp Genetics (formerly Invitae), Labcorp
Classification: Likely benign for Multiple endocrine neoplasia, type 1. Last evaluated: 2026-01-19. Review status: criteria provided, single submitter. Criteria: Invitae Variant Classification Sherloc (09022015). Collection method: clinical testing. Allele origin: germline.

Myriad Genetics, Inc.
Classification: Benign for Multiple endocrine neoplasia, type 1. Last evaluated: 2024-11-05. Review status: criteria provided, single submitter. Criteria: Myriad Autosomal Dominant, Autosomal Recessive and X-Linked Classification Criteria (2023). Collection method: clinical testing. Allele origin: unknown.
Comment: This variant is considered benign. This variant is a silent/synonymous amino acid change and it is not expected to impact splicing.

Ambry Genetics
Classification: Likely benign for Hereditary cancer-predisposing syndrome. Last evaluated: 2020-01-22. Review status: criteria provided, single submitter. Criteria: Ambry Variant Classification Scheme 2023. Collection method: clinical testing. Allele origin: germline.

NM_001370259.2(MEN1):c.1386C>T (p.Ala462=)

Gene: MEN1 (menin 1; minus strand). Cytogenetic location: 11q13.1.
Variant type: single nucleotide variant.
Coding change: c.1386C>T on transcript NM_001370259.2 (MANE Select); coding-DNA position 1386, C replaced by T.
Protein change: p.Ala462=; no amino-acid change (alanine 462 retained).
Molecular consequence: synonymous variant.
Genome position (GRCh38, 1-based): chr11:64,804,781, G>A on the plus strand (C>T on the coding strand, the complement: MEN1 is on the minus strand). VCF-style: chr11-64804781-G-A. GRCh37 (hg19) VCF-style: chr11-64572253-G-A.
Other names: c.1401C>T, p.Ala467= (NM_000244.4, NM_130800.3, NM_130801.3 and 3 more transcripts); c.1512C>T, p.Ala504= (NM_001370251.2); c.1386C>T, p.Ala462= (NM_001370260.2, NM_001370261.2, NM_130799.3); c.1281C>T, p.Ala427= (NM_001370262.2, NM_001370263.2).
Identifiers: ClinVar variation 412576 (VCV000412576.16), dbSNP rs771827808, ClinGen allele CA060584.